The following is an entry in ClinVar:

ClinVar aggregate classification (germline): Uncertain significance (1 of 4 stars; one submission).

Conditions:
Hereditary cancer-predisposing syndrome. Also called: Neoplastic Syndromes, Hereditary; Tumor predisposition; Hereditary Cancer Syndrome; Hereditary neoplastic syndrome. Identifiers: Orphanet 140162, MedGen C0027672, MeSH D009386, MONDO:0015356.

Submission:

Ambry Genetics
Classification: Uncertain significance for Hereditary cancer-predisposing syndrome. Last evaluated: 2025-10-29. Review status: criteria provided, single submitter. Criteria: Ambry Variant Classification Scheme 2023. Collection method: clinical testing. Allele origin: germline.
Comment: The p.S342G variant (also known as c.1024A>G), located in coding exon 11 of the BAP1 gene, results from an A to G substitution at nucleotide position 1024. The serine at codon 342 is replaced by glycine, an amino acid with similar properties. This amino acid position is conserved. In addition, this alteration is predicted to be tolerated by in silico analysis. Based on the available evidence, the clinical significance of this variant remains unclear.

NM_004656.4(BAP1):c.1024A>G (p.Ser342Gly)

Gene: BAP1 (BRCA1 associated deubiquitinase 1; minus strand). Cytogenetic location: 3p21.1.
Variant type: single nucleotide variant.
Coding change: c.1024A>G on transcript NM_004656.4 (MANE Select); coding-DNA position 1024, A replaced by G.
Protein change: p.Ser342Gly; replaces serine 342 with glycine.
Molecular consequence: missense variant.
Genome position (GRCh38, 1-based): chr3:52,405,202, T>C on the plus strand (A>G on the coding strand, the complement: BAP1 is on the minus strand). VCF-style: chr3-52405202-T-C. GRCh37 (hg19) VCF-style: chr3-52439218-T-C.
Other names: c.970A>G, p.Ser324Gly (NM_001410772.1); short protein forms S324G, S342G.
Identifiers: ClinVar variation 4620215 (VCV004620215.1).